The following is an entry in ClinVar:

ClinVar aggregate classification (germline): Pathogenic. Review status: criteria provided, multiple submitters, no conflicts (2 of 4 stars). 3 submissions from 3 submitters: Pathogenic (3). Last evaluated 2024-04-17.

Conditions:
Familial cancer of breast. Also called: Hereditary breast cancer; hereditary breast carcinoma; BREAST CANCER, FAMILIAL. Identifiers: Orphanet 227535, MedGen C0346153, MONDO:0016419, OMIM 114480. Disease mechanism: loss of function.
Ataxia-telangiectasia syndrome (AT). Also called: Cerebello-oculocutaneous telangiectasia; Immunodeficiency with ataxia telangiectasia; Ataxia-telangiectasia, complementation group E; Ataxia-telangiectasia, complementation group D; AT, COMPLEMENTATION GROUP C; ATAXIA-TELANGIECTASIA, COMPLEMENTATION GROUP A. Identifiers: Orphanet 100, MedGen C0004135, MONDO:0008840, OMIM 208900.
Hereditary cancer-predisposing syndrome. Also called: Hereditary Cancer Syndrome; Neoplastic Syndromes, Hereditary; Hereditary neoplastic syndrome; Tumor predisposition. Identifiers: Orphanet 140162, MedGen C0027672, MeSH D009386, MONDO:0015356.

Allele frequency attached by ClinVar (database versions not stated): gnomAD exomes below 0.00001.
gnomAD v4.1: 1 of 1,610,338 alleles (0.000062%); highest among the groups gnomAD compares: Non-Finnish European, 0.000085%; no homozygotes.

Submissions (3):

Labcorp Genetics (formerly Invitae), Labcorp
Classification: Pathogenic for Ataxia-telangiectasia syndrome. Last evaluated: 2024-04-17. Review status: criteria provided, single submitter. Criteria: Invitae Variant Classification Sherloc (09022015). Collection method: clinical testing. Allele origin: germline.
Comment: This sequence change creates a premature translational stop signal (p.Leu822*) in the ATM gene. It is expected to result in an absent or disrupted protein product. Loss-of-function variants in ATM are known to be pathogenic (PMID: 23807571, 25614872). This variant is present in population databases (no rsID available, gnomAD 0.0009%). This premature translational stop signal has been observed in individual(s) with hereditary breast and ovarian cancer (PMID: 12810666). ClinVar contains an entry for this variant (Variation ID: 821323). For these reasons, this variant has been classified as Pathogenic.

Baylor Genetics
Classification: Pathogenic for Familial cancer of breast. Last evaluated: 2024-02-09. Review status: criteria provided, single submitter. Criteria: ACMG Guidelines, 2015. Collection method: clinical testing. Allele origin: unknown.

Ambry Genetics
Classification: Pathogenic for Hereditary cancer-predisposing syndrome. Last evaluated: 2018-09-17. Review status: criteria provided, single submitter. Criteria: Ambry Variant Classification Scheme 2023. Collection method: clinical testing. Allele origin: germline.
Comment: The p.L822* pathogenic mutation (also known as c.2465T>G), located in coding exon 15 of the ATM gene, results from a T to G substitution at nucleotide position 2465. This mutation has been identified in one Austrian family with hereditary breast and/or ovarian cancer (Thorstenson YR et al. Cancer Res. 2003 Jun;63(12):3325-33). This changes the amino acid from a leucine to a stop codon within coding exon 15. This alteration is expected to result in loss of function by premature protein truncation or nonsense-mediated mRNA decay. As such, this alteration is interpreted as a disease-causing mutation.

Literature cited by the submitters: PubMed 23807571 (cited by Labcorp Genetics (formerly Invitae), Labcorp); PubMed 25614872 (cited by Labcorp Genetics (formerly Invitae), Labcorp); PubMed 12810666 (cited by Labcorp Genetics (formerly Invitae), Labcorp).

NM_000051.4(ATM):c.2465T>G (p.Leu822Ter)

Gene: ATM (ATM serine/threonine kinase; plus strand). Cytogenetic location: 11q22.3.
Variant type: single nucleotide variant.
Coding change: c.2465T>G on transcript NM_000051.4 (MANE Select); coding-DNA position 2465, T replaced by G.
Protein change: p.Leu822Ter; replaces leucine 822 with a stop codon.
Molecular consequence: nonsense.
Genome position (GRCh38, 1-based): chr11:108,259,074, T>G. VCF-style: chr11-108259074-T-G. GRCh37 (hg19) VCF-style: chr11-108129801-T-G.
Other names: c.2465T>G, p.Leu822Ter (NM_001351834.2); short protein forms L822*.
Identifiers: ClinVar variation 821323 (VCV000821323.8), dbSNP rs1442299125, ClinGen allele CA382541423.
Genomic context (GRCh38, chr11:108,259,074, plus strand): 5'-TTTTCCTGCGATTGTTAACATCAAAGCTAATGAATGACATTGCAGATATTTGTAAAAGTT[T>G]AGTAAGTATGCTTCCTGTTTTGCTATCATATTTTGATTCTAATAGGCATAATTTTTTTGT-3'